The following is an entry in ClinVar:

ClinVar aggregate classification (germline): Conflicting classifications of pathogenicity. Review status: criteria provided, conflicting classifications (1 of 4 stars). 2 submissions from 2 submitters: Uncertain significance (1); Likely benign (1). Last evaluated 2025-12-03.

Conditions:
Cardiovascular phenotype. Identifiers: MedGen CN230736.
Arrhythmogenic right ventricular dysplasia 11. Also called: Arrhythmogenic Right Ventricular Dysplasia/Cardiomyopathy11; ARRHYTHMOGENIC RIGHT VENTRICULAR DYSPLASIA, FAMILIAL, 11; Arrhythmogenic right ventricular dysplasia 11 with mild palmoplantar keratoderma and woolly hair. Identifiers: MedGen C1864850, MONDO:0012506, OMIM 610476.

Submissions (2):

Ambry Genetics
Classification: Uncertain significance for Cardiovascular phenotype. Last evaluated: 2025-12-03. Review status: criteria provided, single submitter. Criteria: Ambry Variant Classification Scheme 2023. Collection method: clinical testing. Allele origin: germline.
Comment: The c.429G>C variant (also known as p.S143S), located in coding exon 4 of the DSC2 gene, results from a G to C substitution at nucleotide position 429. This nucleotide substitution does not change the amino acid at codon 143. This nucleotide position is poorly conserved in available vertebrate species. In silico splice site analysis for this alteration is inconclusive. Based on the available evidence, the clinical significance of this variant remains unclear.

Labcorp Genetics (formerly Invitae), Labcorp
Classification: Likely benign for Arrhythmogenic right ventricular dysplasia 11. Last evaluated: 2023-12-22. Review status: criteria provided, single submitter. Criteria: Invitae Variant Classification Sherloc (09022015). Collection method: clinical testing. Allele origin: germline.

NM_024422.6(DSC2):c.429G>C (p.Ser143=)

Gene: DSC2 (desmocollin 2; minus strand). Cytogenetic location: 18q12.1.
Variant type: single nucleotide variant.
Coding change: c.429G>C on transcript NM_024422.6 (MANE Select); coding-DNA position 429, G replaced by C.
Protein change: p.Ser143=; no amino-acid change (serine 143 retained).
Molecular consequence: synonymous variant.
Genome position (GRCh38, 1-based): chr18:31,091,073, C>G on the plus strand (G>C on the coding strand, the complement: DSC2 is on the minus strand). VCF-style: chr18-31091073-C-G. GRCh37 (hg19) VCF-style: chr18-28671036-C-G.
Other names: c.429G>C, p.Ser143= (NM_004949.5).
Identifiers: ClinVar variation 416267 (VCV000416267.12), dbSNP rs542638302, ClinGen allele CA16615790.
Genomic context (GRCh38, chr18:31,091,073, plus strand): 5'-GAAAGAAAACGGTACCTGTTGAAGGAAAAGTGGAAAAGGACCCAAGGAGTTTTCTAGCAT[C>G]GAACAAGGAATTGGAGCCCATCTTCTCTTGGCGCGCCTTAGAACTTTTTCTTTAGTATGT-3'
Protein context (NP_077740.1, residues 133-153): AKRRWAPIPC[Ser143=]MLENSLGPFP